The following is an entry in ClinVar:

ClinVar aggregate classification (germline): Uncertain significance (1 of 4 stars; one submission).

Conditions:
Nemaline myopathy 2 (NEM2). Also called: Nemaline myopathy 2, autosomal recessive. Identifiers: MedGen C1850569, MONDO:0009725, OMIM 256030.

Submission:

Labcorp Genetics (formerly Invitae), Labcorp
Classification: Uncertain significance for Nemaline myopathy 2. Last evaluated: 2021-07-20. Review status: criteria provided, single submitter. Criteria: Invitae Variant Classification Sherloc (09022015). Collection method: clinical testing. Allele origin: germline.
Comment: This sequence change falls in intron 124 of the NEB gene. It does not directly change the encoded amino acid sequence of the NEB protein. It affects a nucleotide within the consensus splice site of the intron. This variant is not present in population databases (ExAC no frequency). This variant has not been reported in the literature in individuals with NEB-related conditions. ClinVar contains an entry for this variant (Variation ID: 936932). Nucleotide substitutions within the consensus splice site are a relatively common cause of aberrant splicing (PMID: 17576681, 9536098). Algorithms developed to predict the effect of sequence changes on RNA splicing suggest that this variant is not likely to affect RNA splicing, but this prediction has not been confirmed by published transcriptional studies. In summary, the available evidence is currently insufficient to determine the role of this variant in disease. Therefore, it has been classified as a Variant of Uncertain Significance.

Literature cited by the submitters: PubMed 17576681; PubMed 9536098.

NM_001164508.2(NEB):c.19315-3T>C

Gene: NEB (nebulin; minus strand). Cytogenetic location: 2q23.3.
Variant type: single nucleotide variant.
Coding change: c.19315-3T>C on transcript NM_001164508.2 (MANE Select); 3 bases into the intron before coding-DNA position 19315, T replaced by C.
Molecular consequence: intron variant.
Genome position (GRCh38, 1-based): chr2:151,555,047, A>G on the plus strand (T>C on the coding strand, the complement: NEB is on the minus strand). VCF-style: chr2-151555047-A-G. GRCh37 (hg19) VCF-style: chr2-152411561-A-G.
Other names: c.14212-3T>C (NM_004543.5); c.19315-3T>C (NM_001164507.2, NM_001271208.2).
Identifiers: ClinVar variation 936932 (VCV000936932.4), dbSNP rs756491764, ClinGen allele CA1139657246.